The following is an entry in ClinVar:

ClinVar aggregate classification (germline): Pathogenic/Likely pathogenic. Review status: criteria provided, multiple submitters, no conflicts (2 of 4 stars). 3 submissions from 3 submitters: Pathogenic (2); Likely pathogenic (1). Last evaluated 2023-12-21.

Conditions:
Ataxia - intellectual disability - oculomotor apraxia - cerebellar cysts syndrome. Also called: Poretti-Boltshauser syndrome. Identifiers: Orphanet 370022, MedGen C4014821, MONDO:0014419, OMIM 615960.
LAMA1-related disorder. Also called: LAMA1-related disorders; LAMA1-related condition.

Allele frequency attached by ClinVar (database versions not stated): TOPMed 0.00001; ESP Exome Variant Server 0.00008.
gnomAD v4.1: 9 of 1,614,126 alleles (0.00056%); highest among the groups gnomAD compares: Non-Finnish European, 0.00076%; no homozygotes.

Submissions (3):

GeneDx
Classification: Pathogenic. Last evaluated: 2023-12-21. Review status: criteria provided, single submitter. Criteria: GeneDx Variant Classification Process June 2021. Collection method: clinical testing. Allele origin: germline. Affected: yes.
Comment: Observed with a second variant in a few patients with features of LAMA1-related neurodevelopmental and movement disorder referred for genetic testing at GeneDx and in published literature (PMID: 32195884); Nonsense variant predicted to result in protein truncation or nonsense mediated decay in a gene for which loss of function is a known mechanism of disease; Not observed at significant frequency in large population cohorts (gnomAD); This variant is associated with the following publications: (PMID: 31589614, 32195884)

Blueprint Genetics
Classification: Likely pathogenic for LAMA1-related disorders. Last evaluated: 2022-10-05. Review status: criteria provided, single submitter. Criteria: ACMG Guidelines, 2015. Collection method: clinical testing. Allele origin: germline. Affected: yes. Observed: 1 variant allele.

Revvity Omics, Revvity
Classification: Pathogenic for Ataxia - intellectual disability - oculomotor apraxia - cerebellar cysts syndrome. Last evaluated: 2020-06-08. Review status: criteria provided, single submitter. Criteria: ACMG Guidelines, 2015. Collection method: clinical testing. Allele origin: germline.

NM_005559.4(LAMA1):c.5512C>T (p.Gln1838Ter)

Gene: LAMA1 (laminin subunit alpha 1; minus strand). Cytogenetic location: 18p11.31.
Variant type: single nucleotide variant.
Coding change: c.5512C>T on transcript NM_005559.4 (MANE Select); coding-DNA position 5512, C replaced by T.
Protein change: p.Gln1838Ter; replaces glutamine 1838 with a stop codon.
Molecular consequence: nonsense.
Genome position (GRCh38, 1-based): chr18:6,985,385, G>A on the plus strand (C>T on the coding strand, the complement: LAMA1 is on the minus strand). VCF-style: chr18-6985385-G-A. GRCh37 (hg19) VCF-style: chr18-6985384-G-A.
Other names: short protein forms Q1838*.
Identifiers: ClinVar variation 523858 (VCV000523858.8), dbSNP rs376548651, ClinGen allele CA295759683.